The following is an entry in ClinVar:

ClinVar aggregate classification (germline): Uncertain significance. Review status: criteria provided, multiple submitters, no conflicts (2 of 4 stars). 4 submissions from 4 submitters: Uncertain significance (4). Last evaluated 2025-10-16.

Conditions:
Inborn genetic diseases. Identifiers: MedGen C0950123, MeSH D030342.

Allele frequency attached by ClinVar (database versions not stated): gnomAD 0.00028 and 0.00030; TOPMed 0.00028; 1000 Genomes Project 30x 0.00031; gnomAD exomes 0.00053.

Submissions (4):

GeneDx
Classification: Uncertain significance. Last evaluated: 2025-10-16. Review status: criteria provided, single submitter. Criteria: GeneDx Variant Classification Process June 2021. Collection method: clinical testing. Allele origin: germline. Affected: yes.
Comment: In silico analysis indicates that this missense variant does not alter protein structure/function; Has not been previously published as pathogenic or benign to our knowledge

CeGaT Center for Human Genetics Tuebingen
Classification: Uncertain significance. Last evaluated: 2024-10-01. Review status: criteria provided, single submitter. Criteria: CeGaT Center For Human Genetics Tuebingen Variant Classification Criteria Version 2. Collection method: clinical testing. Allele origin: germline. Affected: yes. Observed: 1 variant allele.
Comment: TPRN: PM2:Supporting

Labcorp Genetics (formerly Invitae), Labcorp
Classification: Uncertain significance. Last evaluated: 2022-08-09. Review status: criteria provided, single submitter. Criteria: Invitae Variant Classification Sherloc (09022015). Collection method: clinical testing. Allele origin: germline.
Comment: This sequence change replaces proline, which is neutral and non-polar, with serine, which is neutral and polar, at codon 7 of the TPRN protein (p.Pro7Ser). The frequency data for this variant in the population databases is considered unreliable, as metrics indicate poor data quality at this position in the gnomAD database. This variant has not been reported in the literature in individuals affected with TPRN-related conditions. ClinVar contains an entry for this variant (Variation ID: 1359394). Algorithms developed to predict the effect of missense changes on protein structure and function are either unavailable or do not agree on the potential impact of this missense change (SIFT: "Tolerated"; PolyPhen-2: "Possibly Damaging"; Align-GVGD: "Class C0"). In summary, the available evidence is currently insufficient to determine the role of this variant in disease. Therefore, it has been classified as a Variant of Uncertain Significance.

Ambry Genetics
Classification: Uncertain significance for Inborn genetic diseases. Last evaluated: 2021-12-02. Review status: criteria provided, single submitter. Criteria: Ambry Variant Classification Scheme 2023. Collection method: clinical testing. Allele origin: germline.

NM_001128228.3(TPRN):c.19C>T (p.Pro7Ser)

Genes: TPRN (taperin; minus strand), LOC130003093 (ATAC-STARR-seq lymphoblastoid silent region 20590; plus strand). Cytogenetic location: 9q34.3.
Variant type: single nucleotide variant.
Coding change: c.19C>T on transcript NM_001128228.3 (MANE Select); coding-DNA position 19, C replaced by T.
Protein change: p.Pro7Ser; replaces proline 7 with serine.
Molecular consequence: missense variant.
Genome position (GRCh38, 1-based): chr9:137,200,693, G>A on the plus strand (C>T on the coding strand, the complement: TPRN is on the minus strand). VCF-style: chr9-137200693-G-A. GRCh37 (hg19) VCF-style: chr9-140095145-G-A.
Other names: short protein forms P7S.
Identifiers: ClinVar variation 1359394 (VCV001359394.20), dbSNP rs962978837, ClinGen allele CA201721492.